The following is an entry in ClinVar:

NM_001098.3(ACO2):c.1032+2T>C

Gene: ACO2 (aconitase 2; plus strand). Cytogenetic location: 22q13.2.
Variant type: single nucleotide variant.
Coding change: c.1032+2T>C on transcript NM_001098.3 (MANE Select); the canonical splice donor site of the intron after coding-DNA position 1032, T replaced by C.
Molecular consequence: splice donor variant.
Genome position (GRCh38, 1-based): chr22:41,518,574, T>C. VCF-style: chr22-41518574-T-C. GRCh37 (hg19) VCF-style: chr22-41914578-T-C.
Identifiers: ClinVar variation 2780457 (VCV002780457.3), dbSNP rs2518225685, ClinGen allele CA411723292.

ClinVar aggregate classification (germline): Likely pathogenic (1 of 4 stars; one submission).

Submission:

Labcorp Genetics (formerly Invitae), Labcorp
Classification: Likely pathogenic. Last evaluated: 2023-05-13. Review status: criteria provided, single submitter. Criteria: Invitae Variant Classification Sherloc (09022015). Collection method: clinical testing. Allele origin: germline.
Comment: In summary, the currently available evidence indicates that the variant is pathogenic, but additional data are needed to prove that conclusively. Therefore, this variant has been classified as Likely Pathogenic. Algorithms developed to predict the effect of sequence changes on RNA splicing suggest that this variant may disrupt the consensus splice site. Disruption of this splice site has been observed in individual(s) with autosomal dominant optic atrophy (PMID: 34056600). This variant is not present in population databases (gnomAD no frequency). This sequence change affects a donor splice site in intron 8 of the ACO2 gene. It is expected to disrupt RNA splicing. Variants that disrupt the donor or acceptor splice site typically lead to a loss of protein function (PMID: 16199547), and loss-of-function variants in ACO2 are known to be pathogenic (PMID: 30689204, 32519519).

Literature cited by the submitters: PubMed 34056600; PubMed 16199547; PubMed 30689204; PubMed 32519519.